The following is an entry in ClinVar:

ClinVar aggregate classification (germline): Pathogenic. Review status: criteria provided, multiple submitters, no conflicts (2 of 4 stars). 2 submissions from 2 submitters: Pathogenic (2). Last evaluated 2024-01-11.

Conditions:
Polyglandular autoimmune syndrome, type 1 (APS1). Also called: Whitaker syndrome; HYPOADRENOCORTICISM WITH HYPOPARATHYROIDISM AND SUPERFICIAL MONILIASIS; PGA I; AUTOIMMUNE POLYENDOCRINE SYNDROME, TYPE I, WITH OR WITHOUT REVERSIBLE METAPHYSEAL DYSPLASIA; APS I; Autoimmune polyendocrine syndrome type 1. Identifiers: Orphanet 3453, MedGen C0085859, MONDO:0009411, OMIM 240300.

Submissions (2):

Labcorp Genetics (formerly Invitae), Labcorp
Classification: Pathogenic for Polyglandular autoimmune syndrome, type 1. Last evaluated: 2024-01-11. Review status: criteria provided, single submitter. Criteria: Invitae Variant Classification Sherloc (09022015). Collection method: clinical testing. Allele origin: germline.
Comment: This sequence change creates a premature translational stop signal (p.Glu354*) in the AIRE gene. It is expected to result in an absent or disrupted protein product. Loss-of-function variants in AIRE are known to be pathogenic (PMID: 11524731, 26141571). This variant is not present in population databases (gnomAD no frequency). This variant has not been reported in the literature in individuals affected with AIRE-related conditions. Algorithms developed to predict the effect of sequence changes on RNA splicing suggest that this variant may disrupt the consensus splice site. For these reasons, this variant has been classified as Pathogenic.

Myriad Genetics, Inc.
Classification: Pathogenic for Polyglandular autoimmune syndrome, type 1. Last evaluated: 2023-12-18. Review status: criteria provided, single submitter. Criteria: Myriad Autosomal Dominant, Autosomal Recessive and X-Linked Classification Criteria (2023). Collection method: clinical testing. Allele origin: unknown.
Comment: NM_000383.3(AIRE):c.1060G>T(E354*) is expected to be pathogenic in the context of autoimmune polyglandular syndrome type 1. This variant is predicted to lead to an abnormal or absent protein product due to the creation of a premature termination codon in AIRE, a gene where loss-of-function variants are known to be pathogenic. Please note: this variant was assessed in the context of healthy population screening.

Literature cited by the submitters: PubMed 11524731 (cited by Labcorp Genetics (formerly Invitae), Labcorp); PubMed 26141571 (cited by Labcorp Genetics (formerly Invitae), Labcorp).

NM_000383.4(AIRE):c.1060G>T (p.Glu354Ter)

Gene: AIRE (autoimmune regulator; plus strand). Cytogenetic location: 21q22.3.
Variant type: single nucleotide variant.
Coding change: c.1060G>T on transcript NM_000383.4 (MANE Select); coding-DNA position 1060, G replaced by T.
Protein change: p.Glu354Ter; replaces glutamic acid 354 with a stop codon.
Molecular consequence: nonsense.
Genome position (GRCh38, 1-based): chr21:44,292,366, G>T. VCF-style: chr21-44292366-G-T. GRCh37 (hg19) VCF-style: chr21-45712249-G-T.
Other names: short protein forms E354*.
Identifiers: ClinVar variation 2709047 (VCV002709047.4), dbSNP rs2040550139, ClinGen allele CA410425177.